The following is an entry in ClinVar:

NM_005138.3(SCO2):c.261G>C (p.Gln87His)

Genes: NCAPH2 (non-SMC condensin II complex subunit H2; plus strand), SCO2 (synthesis of cytochrome C oxidase 2; minus strand). Cytogenetic location: 22q13.33.
Variant type: single nucleotide variant.
Coding change: c.261G>C on transcript NM_005138.3 (MANE Select); coding-DNA position 261, G replaced by C.
Protein change: p.Gln87His; replaces glutamine 87 with histidine.
Molecular consequence: missense variant. On other transcripts: 3 prime UTR variant (2).
Genome position (GRCh38, 1-based): chr22:50,524,151, C>G on the plus strand (G>C on the coding strand, the complement: SCO2 is on the minus strand). VCF-style: chr22-50524151-C-G. GRCh37 (hg19) VCF-style: chr22-50962580-C-G.
Other names: c.*776C>G (NM_001185011.2, NM_152299.4); c.261G>C, p.Gln87His (NM_001169109.2, NM_001169110.1, NM_001169111.2); short protein forms Q87H.
Identifiers: ClinVar variation 3725597 (VCV003725597.2).

ClinVar aggregate classification (germline): Uncertain significance (1 of 4 stars; one submission).

Submission:

Labcorp Genetics (formerly Invitae), Labcorp
Classification: Uncertain significance. Last evaluated: 2025-01-07. Review status: criteria provided, single submitter. Criteria: Invitae Variant Classification Sherloc (09022015). Collection method: clinical testing. Allele origin: germline.
Comment: This sequence change replaces glutamine, which is neutral and polar, with histidine, which is basic and polar, at codon 87 of the SCO2 protein (p.Gln87His). This variant is not present in population databases (gnomAD no frequency). This variant has not been reported in the literature in individuals affected with SCO2-related conditions. Invitae Evidence Modeling of protein sequence and biophysical properties (such as structural, functional, and spatial information, amino acid conservation, physicochemical variation, residue mobility, and thermodynamic stability) indicates that this missense variant is not expected to disrupt SCO2 protein function with a negative predictive value of 80%. In summary, the available evidence is currently insufficient to determine the role of this variant in disease. Therefore, it has been classified as a Variant of Uncertain Significance.